The following is an entry in ClinVar:

NM_138576.4(BCL11B):c.1975_1995del (p.Ala659_Phe665del)

Gene: BCL11B (BCL11 transcription factor B; minus strand). Cytogenetic location: 14q32.2.
Variant type: Deletion.
Coding change: c.1975_1995del on transcript NM_138576.4 (MANE Select); coding-DNA positions 1975 to 1995, 21 bases deleted (GCGCCAGGCACCGAGCCCTTC).
Protein change: p.Ala659_Phe665del.
Genome position (GRCh38, 1-based): chr14:99,174,841-99,174,861, GAAGGGCTCGGTGCCTGGCGC deleted on the plus strand (GCGCCAGGCACCGAGCCCTTC on the coding strand, the reverse complement: BCL11B is on the minus strand); deleting any 21 consecutive bases within chr14:99,174,841-99,174,865 gives the same sequence; the c. name uses the placement nearest the transcript's 3' end. VCF-style (leftmost placement, unchanged base first): chr14-99174840-GGAAGGGCTCGGTGCCTGGCGC-G. GRCh37 (hg19) VCF-style: chr14-99641177-GGAAGGGCTCGGTGCCTGGCGC-G.
Other names: c.1972_1992del, p.Ala658_Phe664del (NM_001282237.2); c.1759_1779del, p.Ala587_Phe593del (NM_001282238.2); c.1762_1782del, p.Ala588_Phe594del (NM_022898.3).
Identifiers: ClinVar variation 3365344 (VCV003365344.2).

ClinVar aggregate classification (germline): Uncertain significance (1 of 4 stars; one submission).

Submission:

GeneDx
Classification: Uncertain significance. Last evaluated: 2025-08-26. Review status: criteria provided, single submitter. Criteria: GeneDx Variant Classification Process June 2021. Collection method: clinical testing. Allele origin: germline.
Comment: Not observed at significant frequency in large population cohorts (gnomAD); In-frame deletion of 7 amino acids in a non-repeat region; In silico analysis supports a deleterious effect on protein structure/function; Has not been previously published as pathogenic or benign to our knowledge